The following is an entry in ClinVar:

NM_001134831.2(AHI1):c.2431A>G (p.Asn811Asp)

Gene: AHI1 (Abelson helper integration site 1; minus strand). Cytogenetic location: 6q23.3.
Variant type: single nucleotide variant.
Coding change: c.2431A>G on transcript NM_001134831.2 (MANE Select); coding-DNA position 2431, A replaced by G.
Protein change: p.Asn811Asp; replaces asparagine 811 with aspartic acid.
Molecular consequence: missense variant.
Genome position (GRCh38, 1-based): chr6:135,429,943, T>C on the plus strand (A>G on the coding strand, the complement: AHI1 is on the minus strand). VCF-style: chr6-135429943-T-C. GRCh37 (hg19) VCF-style: chr6-135751081-T-C.
Other names: c.2431A>G, p.Asn811Asp (NM_001134830.2, NM_001134832.2, NM_001350503.2 and 2 more transcripts); short protein forms N811D.
Identifiers: ClinVar variation 1424152 (VCV001424152.7), dbSNP rs1362092820, ClinGen allele CA365742777.

ClinVar aggregate classification (germline): Uncertain significance. Review status: criteria provided, multiple submitters, no conflicts (2 of 4 stars). 3 submissions from 3 submitters: Uncertain significance (3). Last evaluated 2024-10-16.

Conditions:
Inborn genetic diseases. Identifiers: MedGen C0950123, MeSH D030342.
Joubert syndrome. Also called: CEREBELLOPARENCHYMAL DISORDER IV; JOUBERT-BOLTSHAUSER SYNDROME; Familial aplasia of the vermis. Identifiers: Orphanet 475, MedGen C5979921, MONDO:0018772.
Joubert syndrome 3 (JBTS3). Also called: AHI1-related Ciliopathy. Identifiers: Orphanet 220493, MedGen C1837713, MONDO:0012078, OMIM 608629.

Allele frequency attached by ClinVar (database versions not stated): gnomAD exomes below 0.00001; TOPMed below 0.00001; gnomAD 0.00001.
gnomAD v4.1: 3 of 1,591,370 alleles (0.00019%); highest among the groups gnomAD compares: Admixed American, 0.0017%; no homozygotes.

Submissions (3):

Labcorp Genetics (formerly Invitae), Labcorp
Classification: Uncertain significance for Joubert syndrome. Last evaluated: 2024-10-16. Review status: criteria provided, single submitter. Criteria: Invitae Variant Classification Sherloc (09022015). Collection method: clinical testing. Allele origin: germline.
Comment: This sequence change replaces asparagine, which is neutral and polar, with aspartic acid, which is acidic and polar, at codon 811 of the AHI1 protein (p.Asn811Asp). This variant is present in population databases (no rsID available, gnomAD 0.004%). This variant has not been reported in the literature in individuals affected with AHI1-related conditions. ClinVar contains an entry for this variant (Variation ID: 1424152). Invitae Evidence Modeling of protein sequence and biophysical properties (such as structural, functional, and spatial information, amino acid conservation, physicochemical variation, residue mobility, and thermodynamic stability) has been performed for this missense variant. However, the output from this modeling did not meet the statistical confidence thresholds required to predict the impact of this variant on AHI1 protein function. In summary, the available evidence is currently insufficient to determine the role of this variant in disease. Therefore, it has been classified as a Variant of Uncertain Significance.

Fulgent Genetics
Classification: Uncertain significance for Joubert syndrome 3. Last evaluated: 2024-06-19. Review status: criteria provided, single submitter. Criteria: ACMG Guidelines, 2015. Collection method: clinical testing. Allele origin: germline.

Ambry Genetics
Classification: Uncertain significance for Inborn genetic diseases. Last evaluated: 2023-12-18. Review status: criteria provided, single submitter. Criteria: Ambry Variant Classification Scheme 2023. Collection method: clinical testing. Allele origin: germline.